The following is an entry in ClinVar:

NM_001903.5(CTNNA1):c.2358C>G (p.Tyr786Ter)

Gene: CTNNA1 (catenin alpha 1; plus strand). Cytogenetic location: 5q31.2.
Variant type: single nucleotide variant.
Coding change: c.2358C>G on transcript NM_001903.5 (MANE Select); coding-DNA position 2358, C replaced by G.
Protein change: p.Tyr786Ter; replaces tyrosine 786 with a stop codon.
Molecular consequence: nonsense. On other transcripts: intron variant (1).
Genome position (GRCh38, 1-based): chr5:138,932,637, C>G. VCF-style: chr5-138932637-C-G. GRCh37 (hg19) VCF-style: chr5-138268326-C-G.
Other names: c.2265C>G, p.Tyr755Ter (NM_001323986.2); c.1248C>G, p.Tyr416Ter (NM_001323987.1, NM_001323988.1, NM_001323989.1 and 16 more transcripts); c.909C>G, p.Tyr303Ter (NM_001324006.1, NM_001324007.1, NM_001324008.1 and 2 more transcripts); c.1155C>G, p.Tyr385Ter (NM_001324011.1); c.1005C>G, p.Tyr335Ter (NM_001324012.1, NM_001324013.1); c.2358C>G, p.Tyr786Ter (NM_001290307.3, NM_001323982.2, NM_001323983.1 and 2 more transcripts); c.2049C>G, p.Tyr683Ter (NM_001290309.3); c.1989C>G, p.Tyr663Ter (NM_001290310.3); and 1 more; short protein forms Y385*, Y303*, Y335*, Y663*, Y755*, Y683*, Y416*, Y786*.
Identifiers: ClinVar variation 2750765 (VCV002750765.3), dbSNP rs753714506, ClinGen allele CA361134400.

ClinVar aggregate classification (germline): Pathogenic (1 of 4 stars; one submission).

Submission:

Labcorp Genetics (formerly Invitae), Labcorp
Classification: Pathogenic. Last evaluated: 2023-08-07. Review status: criteria provided, single submitter. Criteria: Invitae Variant Classification Sherloc (09022015). Collection method: clinical testing. Allele origin: germline.
Comment: This sequence change creates a premature translational stop signal (p.Tyr786*) in the CTNNA1 gene. It is expected to result in an absent or disrupted protein product. Loss-of-function variants in CTNNA1 are known to be pathogenic (PMID: 32051609, 34425242). This variant is not present in population databases (gnomAD no frequency). This variant has not been reported in the literature in individuals affected with CTNNA1-related conditions. For these reasons, this variant has been classified as Pathogenic.

Literature cited by the submitters: PubMed 32051609; PubMed 34425242.